The following is an entry in ClinVar:

NM_020207.7(ERCC6L2):c.3919A>G (p.Arg1307Gly)

Gene: ERCC6L2 (ERCC excision repair 6 like 2; plus strand). Cytogenetic location: 9q22.32.
Variant type: single nucleotide variant.
Coding change: c.3919A>G on transcript NM_020207.7 (MANE Select); coding-DNA position 3919, A replaced by G.
Protein change: p.Arg1307Gly; replaces arginine 1307 with glycine.
Molecular consequence: missense variant. On other transcripts: non-coding transcript variant (1), intron variant (2).
Genome position (GRCh38, 1-based): chr9:96,012,469, A>G. VCF-style: chr9-96012469-A-G. GRCh37 (hg19) VCF-style: chr9-98774751-A-G.
Other names: c.3674+7768A>G (NM_001375291.1, NM_001375292.1); short protein forms R1307G.
Identifiers: ClinVar variation 3689489 (VCV003689489.2).
Genomic context (GRCh38, chr9:96,012,469, plus strand): 5'-GAGAAAGGAGAGCAGCGCACCCGGAAGAAATCTGATAAAAGAGAATCTCTTATAAAACCA[A>G]GGCTGTCAGATTCTGAAACCTTGTCATTTAAAGATTCTACCAACAAAATTTCTCAAGTTT-3'
Protein context (NP_064592.3, residues 1297-1317): SDKRESLIKP[Arg1307Gly]LSDSETLSFK

ClinVar aggregate classification (germline): Uncertain significance (1 of 4 stars; one submission).

gnomAD v4.1: 6 of 1,367,382 alleles (0.00044%); highest among the groups gnomAD compares: Non-Finnish European, 0.00059%; no homozygotes.

Submission:

Labcorp Genetics (formerly Invitae), Labcorp
Classification: Uncertain significance. Last evaluated: 2024-08-14. Review status: criteria provided, single submitter. Criteria: Invitae Variant Classification Sherloc (09022015). Collection method: clinical testing. Allele origin: germline.
Comment: This sequence change replaces arginine, which is basic and polar, with glycine, which is neutral and non-polar, at codon 1318 of the ERCC6L2 protein (p.Arg1318Gly). This variant is not present in population databases (gnomAD no frequency). This variant has not been reported in the literature in individuals affected with ERCC6L2-related conditions. Experimental studies and prediction algorithms are not available or were not evaluated, and the functional significance of this variant is currently unknown. In summary, the available evidence is currently insufficient to determine the role of this variant in disease. Therefore, it has been classified as a Variant of Uncertain Significance.